The following is an entry in ClinVar:

ClinVar aggregate classification (germline): Uncertain significance. Review status: criteria provided, multiple submitters, no conflicts (2 of 4 stars). 3 submissions from 3 submitters: Uncertain significance (3). Last evaluated 2025-09-20.

Conditions:
Hereditary cancer-predisposing syndrome. Also called: Tumor predisposition; Hereditary Cancer Syndrome; Hereditary neoplastic syndrome; Neoplastic Syndromes, Hereditary. Identifiers: Orphanet 140162, MedGen C0027672, MeSH D009386, MONDO:0015356.
Hereditary nonpolyposis colorectal neoplasms. Identifiers: MedGen C0009405, MeSH D003123.

Allele frequency attached by ClinVar (database versions not stated): gnomAD exomes below 0.00001.
gnomAD v4.1: 2 of 1,612,330 alleles (0.00012%); highest among the groups gnomAD compares: Admixed American, 0.0033%; no homozygotes.

Submissions (3):

Labcorp Genetics (formerly Invitae), Labcorp
Classification: Uncertain significance for Hereditary nonpolyposis colorectal neoplasms. Last evaluated: 2025-09-20. Review status: criteria provided, single submitter. Criteria: Invitae Variant Classification Sherloc (09022015). Collection method: clinical testing. Allele origin: germline.
Comment: This sequence change replaces leucine, which is neutral and non-polar, with serine, which is neutral and polar, at codon 352 of the PMS2 protein (p.Leu352Ser). This variant is not present in population databases (gnomAD no frequency). This variant has not been reported in the literature in individuals affected with PMS2-related conditions. ClinVar contains an entry for this variant (Variation ID: 411054). Invitae Evidence Modeling incorporating data from in vitro experimental studies (internal data) indicates that this missense variant is not expected to disrupt PMS2 function with a negative predictive value of 95%. In summary, the available evidence is currently insufficient to determine the role of this variant in disease. Therefore, it has been classified as a Variant of Uncertain Significance.

Ambry Genetics
Classification: Uncertain significance for Hereditary cancer-predisposing syndrome. Last evaluated: 2024-05-08. Review status: criteria provided, single submitter. Criteria: Ambry Variant Classification Scheme 2023. Collection method: clinical testing. Allele origin: germline.
Comment: The p.L352S variant (also known as c.1055T>C), located in coding exon 10 of the PMS2 gene, results from a T to C substitution at nucleotide position 1055. The leucine at codon 352 is replaced by serine, an amino acid with dissimilar properties. This amino acid position is highly conserved in available vertebrate species. In addition, this alteration is predicted to be deleterious by in silico analysis. Based on the available evidence, the clinical significance of this variant remains unclear.

GeneDx
Classification: Uncertain significance. Last evaluated: 2022-12-28. Review status: criteria provided, single submitter. Criteria: GeneDx Variant Classification Process June 2021. Collection method: clinical testing. Allele origin: germline. Affected: yes.
Comment: Not observed at significant frequency in large population cohorts (gnomAD); In silico analysis supports that this missense variant has a deleterious effect on protein structure/function; Has not been previously published as pathogenic or benign to our knowledge; This variant is associated with the following publications: (PMID: 11574484)

NM_000535.7(PMS2):c.1055T>C (p.Leu352Ser)

Gene: PMS2 (PMS1 homolog 2, mismatch repair system component; minus strand). Cytogenetic location: 7p22.1.
Variant type: single nucleotide variant.
Coding change: c.1055T>C on transcript NM_000535.7 (MANE Select); coding-DNA position 1055, T replaced by C.
Protein change: p.Leu352Ser; replaces leucine 352 with serine.
Molecular consequence: missense variant. On other transcripts: non-coding transcript variant (1), intron variant (2).
Genome position (GRCh38, 1-based): chr7:5,989,889, A>G on the plus strand (T>C on the coding strand, the complement: PMS2 is on the minus strand). VCF-style: chr7-5989889-A-G. GRCh37 (hg19) VCF-style: chr7-6029520-A-G.
Other names: c.650T>C, p.Leu217Ser (NM_001322003.2, NM_001322004.2, NM_001322005.2 and 1 more transcripts); c.737T>C, p.Leu246Ser (NM_001322007.2, NM_001322008.2); c.122T>C, p.Leu41Ser (NM_001322011.2, NM_001322012.2); c.482T>C, p.Leu161Ser (NM_001322013.2); c.1055T>C, p.Leu352Ser (NM_001322014.2); c.746T>C, p.Leu249Ser (NM_001322015.2); c.583+2084T>C (NM_001322010.2); c.988+2084T>C (NM_001322006.2); short protein forms L352S, L246S, L41S, L161S, L217S, L249S.
Identifiers: ClinVar variation 411054 (VCV000411054.13), dbSNP rs1060503134, ClinGen allele CA16612144.